The following is an entry in ClinVar:

ClinVar aggregate classification (germline): Uncertain significance. Review status: criteria provided, multiple submitters, no conflicts (2 of 4 stars). 2 submissions from 2 submitters: Uncertain significance (2). Last evaluated 2025-08-20.

Conditions:
Inborn genetic diseases. Identifiers: MedGen C0950123, MeSH D030342.
Methylmalonic aciduria and homocystinuria type cblD (MAHCD). Also called: METHYLMALONIC ACIDEMIA, cblH TYPE; Methylmalonic aciduria with homocystinuria cblD type. Identifiers: Orphanet 622, Orphanet 79283, MedGen C1848552, MONDO:0010185, OMIM 277410.

Allele frequency attached by ClinVar (database versions not stated): gnomAD exomes below 0.00001 and 0.00001; ExAC 0.00001; gnomAD 0.00001; TOPMed 0.00002.
gnomAD v4.1: 6 of 1,613,834 alleles (0.00037%); highest among the groups gnomAD compares: Non-Finnish European, 0.00042%; no homozygotes.

Submissions (2):

Ambry Genetics
Classification: Uncertain significance for Inborn genetic diseases. Last evaluated: 2025-08-20. Review status: criteria provided, single submitter. Criteria: Ambry Variant Classification Scheme 2023. Collection method: clinical testing. Allele origin: germline.

Labcorp Genetics (formerly Invitae), Labcorp
Classification: Uncertain significance for Methylmalonic aciduria and homocystinuria type cblD. Last evaluated: 2021-12-13. Review status: criteria provided, single submitter. Criteria: Invitae Variant Classification Sherloc (09022015). Collection method: clinical testing. Allele origin: germline.
Comment: This sequence change replaces histidine, which is basic and polar, with tyrosine, which is neutral and polar, at codon 43 of the MMADHC protein (p.His43Tyr). This variant is present in population databases (rs775175927, gnomAD 0.0009%). This variant has not been reported in the literature in individuals affected with MMADHC-related conditions. Algorithms developed to predict the effect of missense changes on protein structure and function (SIFT, PolyPhen-2, Align-GVGD) all suggest that this variant is likely to be tolerated. In summary, the available evidence is currently insufficient to determine the role of this variant in disease. Therefore, it has been classified as a Variant of Uncertain Significance.

NM_015702.3(MMADHC):c.127C>T (p.His43Tyr)

Gene: MMADHC (metabolism of cobalamin associated D; minus strand). Cytogenetic location: 2q23.2.
Variant type: single nucleotide variant.
Coding change: c.127C>T on transcript NM_015702.3 (MANE Select); coding-DNA position 127, C replaced by T.
Protein change: p.His43Tyr; replaces histidine 43 with tyrosine.
Molecular consequence: missense variant.
Genome position (GRCh38, 1-based): chr2:149,582,154, G>A on the plus strand (C>T on the coding strand, the complement: MMADHC is on the minus strand). VCF-style: chr2-149582154-G-A. GRCh37 (hg19) VCF-style: chr2-150438668-G-A.
Other names: c.127C>T (NM_015702.2); short protein forms H43Y.
Identifiers: ClinVar variation 1376579 (VCV001376579.4), dbSNP rs775175927, ClinGen allele CA1902498.
Genomic context (GRCh38, chr2:149,582,154, plus strand): 5'-ATTATAAGTAAAGCAGTAACAACTTTCACTTACATATATCTGGAGGTGCAGCAGCCACAT[G>A]AGACTCATCCGAACCTGATGATCCTGCAGTCGAAAAGGCTTTGGGATTGACAACCCTTTT-3'
Protein context (NP_056517.1, residues 33-53): TAGSSGSDES[His43Tyr]VAAAPPDICS